The following is an entry in ClinVar:

ClinVar aggregate classification (germline): Benign. Review status: criteria provided, multiple submitters, no conflicts (2 of 4 stars). 3 submissions from 3 submitters: Benign (2). 1 of the submissions does not count toward it. Last evaluated 2018-02-22.

Conditions:
DHX34-related disorder. Also called: DHX34-related condition.

Allele frequency attached by ClinVar (database versions not stated): gnomAD 0.00297 and 0.00277; ExAC 0.00095; TOPMed 0.00313; 1000 Genomes Project 0.00359; 1000 Genomes Project 30x 0.00406; gnomAD exomes 0.00029 and 0.00077; ESP Exome Variant Server 0.00398.
gnomAD v4.1: 861 of 1,574,742 alleles (0.055%); highest among the groups gnomAD compares: African/African-American, 0.99%; 1 homozygote.

Submissions (3):

Labcorp Genetics (formerly Invitae), Labcorp
Classification: Benign. Last evaluated: 2018-02-22. Review status: criteria provided, single submitter. Criteria: Invitae Variant Classification Sherloc (09022015). Collection method: clinical testing. Allele origin: germline.

Breakthrough Genomics
Classification: Benign. Review status: criteria provided, single submitter. Criteria: ACMG Guidelines, 2015. Collection method: not provided. Allele origin: germline. Inheritance: Unknown mechanism. Affected: yes.

PreventionGenetics, part of Exact Sciences
Classification: Benign for DHX34-related condition. Last evaluated: 2019-12-06. Review status: no assertion criteria provided. Collection method: clinical testing. Allele origin: germline. Not counted in ClinVar's aggregate classification.
Comment: This variant is classified as benign based on ACMG/AMP sequence variant interpretation guidelines (Richards et al. 2015 PMID: 25741868, with internal and published modifications).

NM_014681.6(DHX34):c.2449G>A (p.Ala817Thr)

Gene: DHX34 (DExH-box helicase 34; plus strand). Cytogenetic location: 19q13.32.
Variant type: single nucleotide variant.
Coding change: c.2449G>A on transcript NM_014681.6 (MANE Select); coding-DNA position 2449, G replaced by A.
Protein change: p.Ala817Thr; replaces alanine 817 with threonine.
Molecular consequence: missense variant.
Genome position (GRCh38, 1-based): chr19:47,376,065, G>A. VCF-style: chr19-47376065-G-A. GRCh37 (hg19) VCF-style: chr19-47879322-G-A.
Other names: short protein forms A817T.
Identifiers: ClinVar variation 786356 (VCV000786356.6), dbSNP rs113758459, ClinGen allele CA9538493.